The following is an entry in ClinVar:

ClinVar aggregate classification (germline): Uncertain significance (1 of 4 stars; one submission).

Allele frequency attached by ClinVar (database versions not stated): TOPMed below 0.00001 and 0.00001; ExAC 0.00001; gnomAD exomes 0.00001.
gnomAD v4.1: 3 of 1,613,588 alleles (0.00019%); highest among the groups gnomAD compares: Non-Finnish European, 0.00025%; no homozygotes.

Submission:

Laboratory for Molecular Medicine, Mass General Brigham Personalized Medicine
Classification: Uncertain significance. Last evaluated: 2013-10-15. Review status: criteria provided, single submitter. Criteria: LMM Criteria. Collection method: clinical testing. Allele origin: germline. Observed: 2 variant alleles.
Comment: The 156+2T>C variant in FHL2 has not been reported in any other families with ca rdiomyopathy or in large population studies. This variant occurs in the invarian t region (+/- 1,2) of the splice consensus sequence and is predicted to cause al tered splicing leading to an abnormal or absent protein. However, it remains unc lear if this gene plays a role in the etiology of cardiomyopathy and the spectru m of variation is not known. At this time, additional information is needed to f ully assess the clinical significance of this variant.

NM_001318895.3(FHL2):c.156+2T>C

Gene: FHL2 (four and a half LIM domains 2; minus strand). Cytogenetic location: 2q12.2.
Variant type: single nucleotide variant.
Coding change: c.156+2T>C on transcript NM_001318895.3 (MANE Select); the canonical splice donor site of the intron after coding-DNA position 156, T replaced by C.
Molecular consequence: splice donor variant.
Genome position (GRCh38, 1-based): chr2:105,386,359, A>G on the plus strand (T>C on the coding strand, the complement: FHL2 is on the minus strand). VCF-style: chr2-105386359-A-G. GRCh37 (hg19) VCF-style: chr2-106002816-A-G.
Other names: c.-12+2T>C (NM_001318897.2, NM_001318898.2); c.156+2T>C (NM_001318896.2, NM_001039492.3, NM_001450.4 and 4 more transcripts); c.-291+2T>C (NM_001318899.2).
Identifiers: ClinVar variation 163493 (VCV000163493.4), dbSNP rs727503059, ClinGen allele CA176122.